The following is an entry in ClinVar:

ClinVar aggregate classification (germline): Benign/Likely benign. Review status: criteria provided, multiple submitters, no conflicts (2 of 4 stars). 3 submissions from 3 submitters: Benign (1); Likely benign (2). Last evaluated 2024-07-26.

Conditions:
Hereditary cancer-predisposing syndrome. Also called: Neoplastic Syndromes, Hereditary; Tumor predisposition; Hereditary Cancer Syndrome; Hereditary neoplastic syndrome. Identifiers: Orphanet 140162, MedGen C0027672, MeSH D009386, MONDO:0015356.
Familial cancer of breast. Also called: BREAST CANCER, FAMILIAL; hereditary breast carcinoma; Hereditary breast cancer. Identifiers: Orphanet 227535, MedGen C0346153, MONDO:0016419, OMIM 114480. Disease mechanism: loss of function.

Allele frequency attached by ClinVar (database versions not stated): TOPMed below 0.00001.

Submissions (3):

Myriad Genetics, Inc.
Classification: Benign for Familial cancer of breast. Last evaluated: 2024-07-26. Review status: criteria provided, single submitter. Criteria: Myriad Autosomal Dominant, Autosomal Recessive and X-Linked Classification Criteria (2023). Collection method: clinical testing. Allele origin: unknown.
Comment: This variant is considered benign. This variant is a silent/synonymous amino acid change and it is not expected to impact splicing.

Labcorp Genetics (formerly Invitae), Labcorp
Classification: Likely benign for Familial cancer of breast. Last evaluated: 2021-05-20. Review status: criteria provided, single submitter. Criteria: Invitae Variant Classification Sherloc (09022015). Collection method: clinical testing. Allele origin: germline.

Ambry Genetics
Classification: Likely benign for Hereditary cancer-predisposing syndrome. Last evaluated: 2015-08-16. Review status: criteria provided, single submitter. Criteria: Ambry Variant Classification Scheme 2023. Collection method: clinical testing. Allele origin: germline.

NM_000465.4(BARD1):c.1653A>G (p.Ser551=)

Gene: BARD1 (BRCA1 associated RING domain 1; minus strand). Cytogenetic location: 2q35.
Variant type: single nucleotide variant.
Coding change: c.1653A>G on transcript NM_000465.4 (MANE Select); coding-DNA position 1653, A replaced by G.
Protein change: p.Ser551=; no amino-acid change (serine 551 retained).
Molecular consequence: synonymous variant. On other transcripts: non-coding transcript variant (3), intron variant (1).
Genome position (GRCh38, 1-based): chr2:214,752,471, T>C on the plus strand (A>G on the coding strand, the complement: BARD1 is on the minus strand). VCF-style: chr2-214752471-T-C. GRCh37 (hg19) VCF-style: chr2-215617195-T-C.
Other names: c.1596A>G, p.Ser532= (NM_001282543.2); c.300A>G, p.Ser100= (NM_001282545.2); c.243A>G, p.Ser81= (NM_001282548.2); c.365-21963A>G (NM_001282549.2).
Identifiers: ClinVar variation 233406 (VCV000233406.15), dbSNP rs876660383, ClinGen allele CA10577793.